The following is an entry in ClinVar:

ClinVar aggregate classification (germline): Uncertain significance. Review status: criteria provided, multiple submitters, no conflicts (2 of 4 stars). 3 submissions from 3 submitters: Uncertain significance (3). Last evaluated 2022-02-24.

Conditions:
Familial acute necrotizing encephalopathy (IIAE3). Also called: ENCEPHALOPATHY, ACUTE, INFECTION-INDUCED, SUSCEPTIBILITY TO, 3; Susceptibility to Acute Necrotizing Encephalopathy 1. Identifiers: Orphanet 88619, MedGen C2675556, MONDO:0011953, OMIM 608033.

Allele frequency attached by ClinVar (database versions not stated): gnomAD 0.00001; gnomAD exomes 0.00002 and 0.00006; ExAC 0.00008; 1000 Genomes Project 30x 0.00016; 1000 Genomes Project 0.00020.
gnomAD v4.1: 26 of 1,223,148 alleles (0.0021%); highest among the groups gnomAD compares: East Asian, 0.053%; no homozygotes.

Submissions (3):

Labcorp Genetics (formerly Invitae), Labcorp
Classification: Uncertain significance for Familial acute necrotizing encephalopathy. Last evaluated: 2022-02-24. Review status: criteria provided, single submitter. Criteria: Invitae Variant Classification Sherloc (09022015). Collection method: clinical testing. Allele origin: germline.
Comment: This sequence change replaces tryptophan, which is neutral and slightly polar, with cysteine, which is neutral and slightly polar, at codon 1610 of the RANBP2 protein (p.Trp1610Cys). This variant is present in population databases (rs201397627, gnomAD 0.07%), and has an allele count higher than expected for a pathogenic variant. This variant has not been reported in the literature in individuals affected with RANBP2-related conditions. ClinVar contains an entry for this variant (Variation ID: 842516). In summary, the available evidence is currently insufficient to determine the role of this variant in disease. Therefore, it has been classified as a Variant of Uncertain Significance. Algorithms developed to predict the effect of missense changes on protein structure and function are either unavailable or do not agree on the potential impact of this missense change (SIFT: "Deleterious"; PolyPhen-2: "Possibly Damaging"; Align-GVGD: "Class C0").

Breakthrough Genomics
Classification: Uncertain significance. Review status: criteria provided, single submitter. Criteria: ACMG Guidelines, 2015. Collection method: not provided. Allele origin: germline. Inheritance: Autosomal dominant inheritance. Affected: yes.

Juno Genomics, Hangzhou Juno Genomics, Inc
Classification: Uncertain significance for Familial acute necrotizing encephalopathy. Review status: criteria provided, single submitter. Criteria: ACMG Guidelines, 2015. Collection method: clinical testing. Allele origin: germline.
Comment: Absent from controls (or at extremely low frequency if recessive) in Genome Aggregation Database.;Missense variant in a gene that has a low rate of benign missense variation.;Multiple lines of computational evidence support a deleterious effect on the gene or gene product.

NM_006267.5(RANBP2):c.4830G>C (p.Trp1610Cys)

Gene: RANBP2 (RAN binding protein 2; plus strand). Cytogenetic location: 2q13.
Variant type: single nucleotide variant.
Coding change: c.4830G>C on transcript NM_006267.5 (MANE Select); coding-DNA position 4830, G replaced by C.
Protein change: p.Trp1610Cys; replaces tryptophan 1610 with cysteine.
Molecular consequence: missense variant.
Genome position (GRCh38, 1-based): chr2:108,765,369, G>C. VCF-style: chr2-108765369-G-C. GRCh37 (hg19) VCF-style: chr2-109381825-G-C.
Other names: short protein forms W1610C.
Identifiers: ClinVar variation 842516 (VCV000842516.14), dbSNP rs201397627, ClinGen allele CA1823182.